The following is an entry in ClinVar:

ClinVar aggregate classification (germline): Conflicting classifications of pathogenicity. Review status: criteria provided, conflicting classifications (1 of 4 stars). 2 submissions from 2 submitters: Uncertain significance (1); Likely benign (1). Last evaluated 2023-03-23.

Conditions:
Hereditary cancer-predisposing syndrome. Also called: Neoplastic Syndromes, Hereditary; Tumor predisposition; Hereditary Cancer Syndrome; Hereditary neoplastic syndrome. Identifiers: Orphanet 140162, MedGen C0027672, MeSH D009386, MONDO:0015356.

Submissions (2):

University of Washington Department of Laboratory Medicine, University of Washington
Classification: Likely benign for Hereditary cancer-predisposing syndrome. Last evaluated: 2023-03-23. Review status: criteria provided, single submitter. Criteria: Dines et al. (Genet Med. 2020). Collection method: curation. Allele origin: germline.
Comment: Missense variant in a coldspot region where missense variants are very unlikely to be pathogenic (PMID:31911673).

BRCA1 coldspot (exon 11 using historical exon numbering). Reclassification based on statistical prior probability

Ambry Genetics
Classification: Uncertain significance for Hereditary cancer-predisposing syndrome. Last evaluated: 2015-08-06. Review status: criteria provided, single submitter. Criteria: Ambry Variant Classification Scheme 2023. Collection method: clinical testing. Allele origin: germline.
Comment: The p.E745D variant (also known as c.2235A>C and 2354A>C), located in coding exon 9 of the BRCA1 gene, results from an A to C substitution at nucleotide position 2235. The glutamic acid at codon 745 is replaced by aspartic acid, an amino acid with highly similar properties. This variant was not reported in population based cohorts in the following databases: Database of Single Nucleotide Polymorphisms (dbSNP), NHLBI Exome Sequencing Project (ESP), and 1000 Genomes Project. In the ESP, this variant was not observed in 6503 samples (13006 alleles) with coverage at this position. To date, this alteration has been detected with an allele frequency of approximately 0.001% (greater than 150000 alleles tested) in our clinical cohort. This amino acid position is poorly conserved in available vertebrate species. In addition, this alteration is predicted to be tolerated by in silico analysis. Since supporting evidence is limited at this time, the clinical significance of p.E745D remains unclear.

NM_007294.4(BRCA1):c.2235A>C (p.Glu745Asp)

Gene: BRCA1 (BRCA1 DNA repair associated; minus strand). Cytogenetic location: 17q21.31.
Variant type: single nucleotide variant.
Coding change: c.2235A>C on transcript NM_007294.4 (MANE Select); coding-DNA position 2235, A replaced by C.
Protein change: p.Glu745Asp; replaces glutamic acid 745 with aspartic acid.
Molecular consequence: missense variant. On other transcripts: intron variant (137).
Genome position (GRCh38, 1-based): chr17:43,093,296, T>G on the plus strand (A>C on the coding strand, the complement: BRCA1 is on the minus strand). VCF-style: chr17-43093296-T-G. GRCh37 (hg19) VCF-style: chr17-41245313-T-G.
Other names: c.2232A>C, p.Glu744Asp (NM_001407634.1, NM_001407635.1, NM_001407636.1 and 22 more transcripts); c.2235A>C, p.Glu745Asp (NM_001407639.1, NM_001407640.1, NM_001407641.1 and 30 more transcripts); c.2226A>C, p.Glu742Asp (NM_001407646.1, NM_001407647.1); c.2112A>C, p.Glu704Asp (NM_001407648.1, NM_001407664.1, NM_001407665.1 and 19 more transcripts); c.2109A>C, p.Glu703Asp (NM_001407649.1, NM_001407670.1, NM_001407671.1 and 11 more transcripts); c.2157A>C, p.Glu719Asp (NM_001407653.1, NM_001407654.1, NM_001407655.1 and 4 more transcripts); c.2154A>C, p.Glu718Asp (NM_001407659.1, NM_001407660.1, NM_001407661.1 and 1 more transcripts); c.2094A>C, p.Glu698Asp (NM_001407692.1, NM_001407694.1, NM_001407695.1 and 29 more transcripts); and 41 more; short protein forms E745D, E698D, E577D, E657D, E697D, E744D, E617D, E618D.
Identifiers: ClinVar variation 233216 (VCV000233216.8), dbSNP rs876660266, ClinGen allele CA10580628.
Genomic context (GRCh38, chr17:43,093,296, plus strand): 5'-CTCTACAGATCTTTCAGTTTGCAAAACCCTTTCTCCACTTAACATGAGATCTTTGGGGTC[T>G]TCAGCATTATTAGACACTTTAACTGTTTCTAGTTTCTCTTCTTTTTCTTCTCTTGGAAGG-3'
Protein context (NP_009225.1, residues 735-755): LETVKVSNNA[Glu745Asp]DPKDLMLSGE